The following is an entry in ClinVar:

NM_033100.4(CDHR1):c.560G>C (p.Ser187Thr)

Gene: CDHR1 (cadherin related family member 1; plus strand). Cytogenetic location: 10q23.1.
Variant type: single nucleotide variant.
Coding change: c.560G>C on transcript NM_033100.4 (MANE Select); coding-DNA position 560, G replaced by C.
Protein change: p.Ser187Thr; replaces serine 187 with threonine.
Molecular consequence: missense variant.
Genome position (GRCh38, 1-based): chr10:84,201,841, G>C. VCF-style: chr10-84201841-G-C. GRCh37 (hg19) VCF-style: chr10-85961597-G-C.
Other names: c.560G>C (NM_033100.3); c.560G>C, p.Ser187Thr (NM_001171971.3); short protein forms S187T.
Identifiers: ClinVar variation 2040618 (VCV002040618.5), dbSNP rs763318304, ClinGen allele CA377372349.
Genomic context (GRCh38, chr10:84,201,841, plus strand): 5'-GTCCAGCTGCCCCCTAATTCTTATAGAACCTGCACTCCCCATTTGCCGTGGACCGCCACA[G>C]CGGTGTGCTGCGCCTCCAGGCTGGGGCCACTCTGGACTACGAGAGGTCCCGGACCCACTA-3'
Protein context (NP_149091.1, residues 177-197): LHSPFAVDRH[Ser187Thr]GVLRLQAGAT

ClinVar aggregate classification (germline): Uncertain significance (1 of 4 stars; one submission).

Conditions:
Cone-rod dystrophy 15 (CORD15). Identifiers: MedGen C3150912, MONDO:0013348, OMIM 613660.

gnomAD v4.1: 4 of 1,610,262 alleles (0.00025%); highest among the groups gnomAD compares: Non-Finnish European, 0.00034%; no homozygotes.

Submission:

Labcorp Genetics (formerly Invitae), Labcorp
Classification: Uncertain significance. Last evaluated: 2021-12-12. Review status: criteria provided, single submitter. Criteria: Invitae Variant Classification Sherloc (09022015). Collection method: clinical testing. Allele origin: germline.
Comment: In summary, the available evidence is currently insufficient to determine the role of this variant in disease. Therefore, it has been classified as a Variant of Uncertain Significance. Advanced modeling of protein sequence and biophysical properties (such as structural, functional, and spatial information, amino acid conservation, physicochemical variation, residue mobility, and thermodynamic stability) performed at Invitae indicates that this missense variant is not expected to disrupt CDHR1 protein function. This variant has not been reported in the literature in individuals affected with CDHR1-related conditions. This variant is not present in population databases (gnomAD no frequency). This sequence change replaces serine, which is neutral and polar, with threonine, which is neutral and polar, at codon 187 of the CDHR1 protein (p.Ser187Thr).